The following is an entry in ClinVar:

ClinVar aggregate classification (germline): Uncertain significance (1 of 4 stars; one submission).

Allele frequency attached by ClinVar (database versions not stated): gnomAD 0.00001; gnomAD exomes 0.00001; TOPMed 0.00001.
gnomAD v4.1: 21 of 1,614,120 alleles (0.0013%); highest among the groups gnomAD compares: South Asian, 0.0033%; no homozygotes.

Submission:

Labcorp Genetics (formerly Invitae), Labcorp
Classification: Uncertain significance. Last evaluated: 2023-03-27. Review status: criteria provided, single submitter. Criteria: Invitae Variant Classification Sherloc (09022015). Collection method: clinical testing. Allele origin: germline.
Comment: This sequence change replaces glutamic acid, which is acidic and polar, with lysine, which is basic and polar, at codon 1410 of the CEP250 protein (p.Glu1410Lys). In summary, the available evidence is currently insufficient to determine the role of this variant in disease. Therefore, it has been classified as a Variant of Uncertain Significance. Algorithms developed to predict the effect of missense changes on protein structure and function output the following: SIFT: "Not Available"; PolyPhen-2: "Benign"; Align-GVGD: "Not Available". The lysine amino acid residue is found in multiple mammalian species, which suggests that this missense change does not adversely affect protein function. ClinVar contains an entry for this variant (Variation ID: 2137198). This variant has not been reported in the literature in individuals affected with CEP250-related conditions. This variant is present in population databases (no rsID available, gnomAD 0.003%).

NM_007186.6(CEP250):c.4228G>A (p.Glu1410Lys)

Gene: CEP250 (centrosomal protein 250; plus strand). Cytogenetic location: 20q11.22.
Variant type: single nucleotide variant.
Coding change: c.4228G>A on transcript NM_007186.6 (MANE Select); coding-DNA position 4228, G replaced by A.
Protein change: p.Glu1410Lys; replaces glutamic acid 1410 with lysine.
Molecular consequence: missense variant.
Genome position (GRCh38, 1-based): chr20:35,502,597, G>A. VCF-style: chr20-35502597-G-A. GRCh37 (hg19) VCF-style: chr20-34090425-G-A.
Other names: c.2332G>A, p.Glu778Lys (NM_001318219.1); short protein forms E1410K, E778K.
Identifiers: ClinVar variation 2137198 (VCV002137198.4), dbSNP rs965620258, ClinGen allele CA314159672.